The following is an entry in ClinVar:

NM_000038.6(APC):c.2063C>G (p.Ser688Ter)

Gene: APC (APC regulator of Wnt signaling pathway; plus strand). Cytogenetic location: 5q22.2.
Variant type: single nucleotide variant.
Coding change: c.2063C>G on transcript NM_000038.6 (MANE Select); coding-DNA position 2063, C replaced by G.
Protein change: p.Ser688Ter; replaces serine 688 with a stop codon.
Molecular consequence: nonsense. On other transcripts: non-coding transcript variant (2).
Genome position (GRCh38, 1-based): chr5:112,837,657, C>G. VCF-style: chr5-112837657-C-G. GRCh37 (hg19) VCF-style: chr5-112173354-C-G.
Other names: c.2063C>G, p.Ser688Ter (NM_001127510.3, NM_001354895.2, NM_001407450.1); c.2009C>G, p.Ser670Ter (NM_001127511.3); c.2117C>G, p.Ser706Ter (NM_001354896.2, NM_001407447.1, NM_001407448.1 and 1 more transcripts); c.2093C>G, p.Ser698Ter (NM_001354897.2); c.1988C>G, p.Ser663Ter (NM_001354898.2); c.1979C>G, p.Ser660Ter (NM_001354899.2); c.1940C>G, p.Ser647Ter (NM_001354900.2); c.1886C>G, p.Ser629Ter (NM_001354901.2, NM_001407453.1); and 11 more; short protein forms S304*, S405*, S528*, S559*, S562*, S587*, S597*, S605*.
Identifiers: ClinVar variation 2583891 (VCV002583891.1), dbSNP rs1554083930, ClinGen allele CA16025834.

ClinVar aggregate classification (germline): Pathogenic (1 of 4 stars; one submission).

Conditions:
Familial adenomatous polyposis 1 (FAP1). Also called: FAMILIAL ADENOMATOUS POLYPOSIS 1, ATTENUATED; POLYPOSIS, ADENOMATOUS INTESTINAL. Identifiers: MedGen C2713442, MONDO:0021056, OMIM 175100. Disease mechanism: loss of function.

Submission:

Myriad Genetics, Inc.
Classification: Pathogenic for Familial adenomatous polyposis 1. Last evaluated: 2023-05-03. Review status: criteria provided, single submitter. Criteria: Myriad Autosomal Dominant, Autosomal Recessive and X-Linked Classification Criteria (2023). Collection method: clinical testing. Allele origin: unknown.
Comment: This variant is considered pathogenic. This variant creates a termination codon and is predicted to result in premature protein truncation.